The following is an entry in ClinVar:

NM_015267.4(CUX2):c.32A>T (p.Tyr11Phe)

Gene: CUX2 (cut like homeobox 2; plus strand). Cytogenetic location: 12q24.11.
Variant type: single nucleotide variant.
Coding change: c.32A>T on transcript NM_015267.4 (MANE Select); coding-DNA position 32, A replaced by T.
Protein change: p.Tyr11Phe; replaces tyrosine 11 with phenylalanine.
Molecular consequence: missense variant.
Genome position (GRCh38, 1-based): chr12:111,034,209, A>T. VCF-style: chr12-111034209-A-T. GRCh37 (hg19) VCF-style: chr12-111472013-A-T.
Other names: short protein forms Y11F.
Identifiers: ClinVar variation 3893578 (VCV003893578.1).

ClinVar aggregate classification (germline): Uncertain significance (1 of 4 stars; one submission).

Submission:

GeneDx
Classification: Uncertain significance. Last evaluated: 2024-10-28. Review status: criteria provided, single submitter. Criteria: GeneDx Variant Classification Process June 2021. Collection method: clinical testing. Allele origin: germline. Affected: yes.
Comment: Not observed at significant frequency in large population cohorts (gnomAD); In silico analysis indicates that this missense variant does not alter protein structure/function; Has not been previously published as pathogenic or benign to our knowledge